The following is an entry in ClinVar:

ClinVar aggregate classification (germline): Uncertain significance (1 of 4 stars; one submission).

Conditions:
Primary ciliary dyskinesia. Also called: Ciliary dyskinesia. Identifiers: Orphanet 244, MedGen C0008780, MONDO:0016575, HP:0012265.

Allele frequency attached by ClinVar (database versions not stated): gnomAD exomes 0.00001 and 0.00002; TOPMed 0.00002; ExAC 0.00003; gnomAD 0.00003 and 0.00004.
gnomAD v4.1: 18 of 1,522,600 alleles (0.0012%); highest among the groups gnomAD compares: Non-Finnish European, 0.0015%; no homozygotes.

Submission:

Labcorp Genetics (formerly Invitae), Labcorp
Classification: Uncertain significance for Primary ciliary dyskinesia. Last evaluated: 2022-02-24. Review status: criteria provided, single submitter. Criteria: Invitae Variant Classification Sherloc (09022015). Collection method: clinical testing. Allele origin: germline.
Comment: This sequence change replaces aspartic acid, which is acidic and polar, with glycine, which is neutral and non-polar, at codon 2012 of the DNAH8 protein (p.Asp2012Gly). This variant is present in population databases (rs762397682, gnomAD 0.008%). This variant has not been reported in the literature in individuals affected with DNAH8-related conditions. ClinVar contains an entry for this variant (Variation ID: 566971). Algorithms developed to predict the effect of missense changes on protein structure and function are either unavailable or do not agree on the potential impact of this missense change (SIFT: "Deleterious"; PolyPhen-2: "Not Available"; Align-GVGD: "Class C0"). Algorithms developed to predict the effect of sequence changes on RNA splicing suggest that this variant may disrupt the consensus splice site. In summary, the available evidence is currently insufficient to determine the role of this variant in disease. Therefore, it has been classified as a Variant of Uncertain Significance.

NM_001206927.2(DNAH8):c.6035A>G (p.Asp2012Gly)

Gene: DNAH8 (dynein axonemal heavy chain 8; plus strand). Cytogenetic location: 6p21.2.
Variant type: single nucleotide variant.
Coding change: c.6035A>G on transcript NM_001206927.2 (MANE Select); coding-DNA position 6035, A replaced by G.
Protein change: p.Asp2012Gly; replaces aspartic acid 2012 with glycine.
Molecular consequence: missense variant.
Genome position (GRCh38, 1-based): chr6:38,860,533, A>G. VCF-style: chr6-38860533-A-G. GRCh37 (hg19) VCF-style: chr6-38828309-A-G.
Other names: c.5384A>G, p.Asp1795Gly (NM_001371.4); short protein forms D2012G, D1795G.
Identifiers: ClinVar variation 566971 (VCV000566971.8), dbSNP rs762397682, ClinGen allele CA3789552.
Genomic context (GRCh38, chr6:38,860,533, plus strand): 5'-AATCACCTACTGACTTTGAATGGCTAAAACAGAGTAGATTTTATTTTAAGGAAGATTTGG[A>G]TCAAACTGTGGTGTCTATTACAGATGTTGATTTTATTTACCAAAATGAATTTCTGGGATG-3'
Protein context (NP_001193856.1, residues 2002-2022): QSRFYFKEDL[Asp2012Gly]QTVVSITDVD